The following is an entry in ClinVar:

NM_003611.3(OFD1):c.28G>C (p.Val10Leu)

Genes: OFD1 (OFD1 centriole and centriolar satellite protein; plus strand), LOC126863212 (CDK7 strongly-dependent group 2 enhancer GRCh37_chrX:13752241-13753440; plus strand). Cytogenetic location: Xp22.2.
Variant type: single nucleotide variant.
Coding change: c.28G>C on transcript NM_003611.3 (MANE Select); coding-DNA position 28, G replaced by C.
Protein change: p.Val10Leu; replaces valine 10 with leucine.
Molecular consequence: missense variant. On other transcripts: 5 prime UTR variant (1).
Genome position (GRCh38, 1-based): chrX:13,735,263, G>C. VCF-style: chrX-13735263-G-C. GRCh37 (hg19) VCF-style: chrX-13753382-G-C.
Other names: c.28G>C, p.Val10Leu (NM_001330209.2); c.-518G>C (NM_001330210.2); short protein forms V10L.
Identifiers: ClinVar variation 3602448 (VCV003602448.3).

ClinVar aggregate classification (germline): Uncertain significance. Review status: criteria provided, multiple submitters, no conflicts (2 of 4 stars). 2 submissions from 2 submitters: Uncertain significance (2). Last evaluated 2024-08-09.

Conditions:
Joubert syndrome. Also called: CEREBELLOPARENCHYMAL DISORDER IV; JOUBERT-BOLTSHAUSER SYNDROME; Familial aplasia of the vermis. Identifiers: Orphanet 475, MedGen C5979921, MONDO:0018772.
Orofaciodigital syndrome I (OFD1). Also called: OFDS I; Papillon-Leage and Psaume Syndrome; Oral-Facial-Digital Syndrome Type I. Identifiers: Orphanet 2750, MedGen C1510460, MONDO:0010702, OMIM 311200.

Submissions (2):

Labcorp Genetics (formerly Invitae), Labcorp
Classification: Uncertain significance for Orofaciodigital syndrome I; Joubert syndrome. Last evaluated: 2024-08-09. Review status: criteria provided, single submitter. Criteria: Invitae Variant Classification Sherloc (09022015). Collection method: clinical testing. Allele origin: germline.
Comment: This sequence change replaces valine, which is neutral and non-polar, with leucine, which is neutral and non-polar, at codon 10 of the OFD1 protein (p.Val10Leu). This variant is not present in population databases (gnomAD no frequency). This variant has not been reported in the literature in individuals affected with OFD1-related conditions. Advanced modeling of protein sequence and biophysical properties (such as structural, functional, and spatial information, amino acid conservation, physicochemical variation, residue mobility, and thermodynamic stability) performed at Invitae indicates that this missense variant is not expected to disrupt OFD1 protein function with a negative predictive value of 80%. In summary, the available evidence is currently insufficient to determine the role of this variant in disease. Therefore, it has been classified as a Variant of Uncertain Significance.

GeneDx
Classification: Uncertain significance. Last evaluated: 2024-07-27. Review status: criteria provided, single submitter. Criteria: GeneDx Variant Classification Process June 2021. Collection method: clinical testing. Allele origin: germline. Affected: yes.
Comment: Not observed at significant frequency in large population cohorts (gnomAD); In silico analysis indicates that this missense variant does not alter protein structure/function; Has not been previously published as pathogenic or benign to our knowledge